The following is an entry in ClinVar:

ClinVar aggregate classification (germline): Uncertain significance (1 of 4 stars; one submission).

Submission:

Labcorp Genetics (formerly Invitae), Labcorp
Classification: Uncertain significance. Last evaluated: 2025-03-27. Review status: criteria provided, single submitter. Criteria: Invitae Variant Classification Sherloc (09022015). Collection method: clinical testing. Allele origin: germline.
Comment: This sequence change replaces threonine, which is neutral and polar, with lysine, which is basic and polar, at codon 891 of the WNK4 protein (p.Thr891Lys). This variant is not present in population databases (gnomAD no frequency). This variant has not been reported in the literature in individuals affected with WNK4-related conditions. Invitae Evidence Modeling of protein sequence and biophysical properties (such as structural, functional, and spatial information, amino acid conservation, physicochemical variation, residue mobility, and thermodynamic stability) indicates that this missense variant is not expected to disrupt WNK4 protein function with a negative predictive value of 95%. In summary, the available evidence is currently insufficient to determine the role of this variant in disease. Therefore, it has been classified as a Variant of Uncertain Significance.

NM_032387.5(WNK4):c.2672C>A (p.Thr891Lys)

Gene: WNK4 (WNK lysine deficient protein kinase 4; plus strand). Cytogenetic location: 17q21.2.
Variant type: single nucleotide variant.
Coding change: c.2672C>A on transcript NM_032387.5 (MANE Select); coding-DNA position 2672, C replaced by A.
Protein change: p.Thr891Lys; replaces threonine 891 with lysine.
Molecular consequence: missense variant.
Genome position (GRCh38, 1-based): chr17:42,795,093, C>A. VCF-style: chr17-42795093-C-A. GRCh37 (hg19) VCF-style: chr17-40947111-C-A.
Other names: c.1664C>A, p.Thr555Lys (NM_001321299.2); short protein forms T555K, T891K.
Identifiers: ClinVar variation 4800823 (VCV004800823.1).
Genomic context (GRCh38, chr17:42,795,093, plus strand): 5'-AGTTTCCGGTCCCACTCTCTCAGTGTCCCTGGAGTTCTCTCCCCACGACTTCTCCACCTA[C>A]GTTCTCTCCCACTTGTTCTCAGGTCACTCTTAGTTCCCCTTTCTTTCCTCCGTGCCCCTC-3'
Protein context (NP_115763.2, residues 881-901): WSSLPTTSPP[Thr891Lys]FSPTCSQVTL